The following is an entry in ClinVar:

NM_006904.7(PRKDC):c.3698C>G (p.Ser1233Trp)

Gene: PRKDC (protein kinase, DNA-activated, catalytic subunit; minus strand). Cytogenetic location: 8q11.21.
Variant type: single nucleotide variant.
Coding change: c.3698C>G on transcript NM_006904.7 (MANE Select); coding-DNA position 3698, C replaced by G.
Protein change: p.Ser1233Trp; replaces serine 1233 with tryptophan.
Molecular consequence: missense variant.
Genome position (GRCh38, 1-based): chr8:47,893,288, G>C on the plus strand (C>G on the coding strand, the complement: PRKDC is on the minus strand). VCF-style: chr8-47893288-G-C. GRCh37 (hg19) VCF-style: chr8-48805848-G-C.
Other names: c.3698C>G, p.Ser1233Trp (NM_001081640.2); short protein forms S1233W.
Identifiers: ClinVar variation 1380012 (VCV001380012.6), dbSNP rs575674401, ClinGen allele CA371150687.
Genomic context (GRCh38, chr8:47,893,288, plus strand): 5'-GTGGCCTGCAGGCTGAATGGCCCCCGAAGGTACAAGAGGGTGGGCTGGGCCAGGATGCCC[G>C]AGGGCTGGCCACAGCCACCCCCCTCAAAGGTGTTGATGAGAAAAGAGACACCTTCTTCCT-3'
Protein context (NP_008835.5, residues 1223-1243): TFEGGGCGQP[Ser1233Trp]GILAQPTLLY

ClinVar aggregate classification (germline): Uncertain significance (1 of 4 stars; one submission).

Conditions:
Severe combined immunodeficiency due to DNA-PKcs deficiency. Also called: IMMUNODEFICIENCY 26 WITH NEUROLOGIC ABNORMALITIES; Immunodeficiency 26 with or without neurologic abnormalities. Identifiers: Orphanet 317425, MedGen C4014833, MONDO:0014423, OMIM 615966.

gnomAD v4.1: 4 of 1,610,574 alleles (0.00025%); highest among the groups gnomAD compares: Non-Finnish European, 0.00025%; no homozygotes.

Submission:

Labcorp Genetics (formerly Invitae), Labcorp
Classification: Uncertain significance for Severe combined immunodeficiency due to DNA-PKcs deficiency. Last evaluated: 2022-10-06. Review status: criteria provided, single submitter. Criteria: Invitae Variant Classification Sherloc (09022015). Collection method: clinical testing. Allele origin: germline.
Comment: In summary, the available evidence is currently insufficient to determine the role of this variant in disease. Therefore, it has been classified as a Variant of Uncertain Significance. Experimental studies and prediction algorithms are not available or were not evaluated, and the functional significance of this variant is currently unknown. ClinVar contains an entry for this variant (Variation ID: 1380012). This variant has not been reported in the literature in individuals affected with PRKDC-related conditions. This variant is not present in population databases (gnomAD no frequency). This sequence change replaces serine with tryptophan at codon 1233 of the PRKDC protein (p.Ser1233Trp). The serine residue is moderately conserved and there is a large physicochemical difference between serine and tryptophan.